The following is an entry in ClinVar:

NM_001048174.2(MUTYH):c.1306A>C (p.Thr436Pro)

Gene: MUTYH (mutY DNA glycosylase; minus strand). Cytogenetic location: 1p34.1.
Variant type: single nucleotide variant.
Coding change: c.1306A>C on transcript NM_001048174.2 (MANE Select); coding-DNA position 1306, A replaced by C.
Protein change: p.Thr436Pro; replaces threonine 436 with proline.
Molecular consequence: missense variant. On other transcripts: non-coding transcript variant (7).
Genome position (GRCh38, 1-based): chr1:45,331,268, T>G on the plus strand (A>C on the coding strand, the complement: MUTYH is on the minus strand). VCF-style: chr1-45331268-T-G. GRCh37 (hg19) VCF-style: chr1-45796940-T-G.
Other names: c.1306A>C, p.Thr436Pro (NM_001048171.2, NM_001048173.2, NM_001293195.2 and 6 more transcripts); c.1309A>C, p.Thr437Pro (NM_001048172.2, NM_001407071.1, NM_001407086.1 and 1 more transcripts); c.1390A>C, p.Thr464Pro (NM_001128425.2); c.1351A>C, p.Thr451Pro (NM_001293190.2); c.1339A>C, p.Thr447Pro (NM_001293191.2, NM_001407069.1, NM_001407077.1); c.1030A>C, p.Thr344Pro (NM_001293192.2, NM_001293196.2, NM_001407091.1); c.961A>C, p.Thr321Pro (NM_001350650.2, NM_001350651.2, NM_001407082.1); c.1327A>C, p.Thr443Pro (NM_001407087.1); and 5 more; short protein forms T443P, T447P, T321P, T423P, T344P, T436P, T437P, T464P.
Identifiers: ClinVar variation 4112788 (VCV004112788.1).

ClinVar aggregate classification (germline): Uncertain significance (1 of 4 stars; one submission).

Conditions:
Hereditary cancer-predisposing syndrome. Also called: Tumor predisposition; Neoplastic Syndromes, Hereditary; Hereditary neoplastic syndrome; Hereditary Cancer Syndrome. Identifiers: Orphanet 140162, MedGen C0027672, MeSH D009386, MONDO:0015356.

Submission:

Ambry Genetics
Classification: Uncertain significance for Hereditary cancer-predisposing syndrome. Last evaluated: 2025-08-27. Review status: criteria provided, single submitter. Criteria: Ambry Variant Classification Scheme 2023. Collection method: clinical testing. Allele origin: germline.
Comment: The p.T464P variant (also known as c.1390A>C), located in coding exon 14 of the MUTYH gene, results from an A to C substitution at nucleotide position 1390. The threonine at codon 464 is replaced by proline, an amino acid with highly similar properties. This amino acid position is conserved. In addition, the in silico prediction for this alteration is inconclusive. Based on the available evidence, the clinical significance of this variant remains unclear.